The following is an entry in ClinVar:

NM_006070.6(TFG):c.597_599del (p.Ala200del)

Gene: TFG (trafficking from ER to golgi regulator; plus strand). Cytogenetic location: 3q12.2.
Variant type: Deletion.
Coding change: c.597_599del on transcript NM_006070.6 (MANE Select); coding-DNA positions 597 to 599, 3 bases deleted (TGC; older notation c.597_599delTGC).
Protein change: p.Ala200del; deletes alanine 200.
Genome position (GRCh38, 1-based): chr3:100,736,592-100,736,594, TGC deleted; deleting any 3 consecutive bases within chr3:100,736,591-100,736,594 gives the same sequence; the c. name uses the placement nearest the transcript's 3' end. VCF-style (leftmost placement, unchanged base first): chr3-100736590-CCTG-C. GRCh37 (hg19) VCF-style: chr3-100455434-CCTG-C.
Other names: c.597_599del, p.Ala200del (NM_001007565.2, NM_001195478.2, NM_001195479.2); short protein forms A200del.
Identifiers: ClinVar variation 4787550 (VCV004787550.1).

ClinVar aggregate classification (germline): Uncertain significance (1 of 4 stars; one submission).

Conditions:
Hereditary motor and sensory neuropathy, Okinawa type (HMSNO). Also called: HEREDITARY MOTOR AND SENSORY NEUROPATHY, PROXIMAL TYPE. Identifiers: Orphanet 90117, MedGen C1858338, MONDO:0011468, OMIM 604484.
Hereditary spastic paraplegia 57. Also called: Spastic paraplegia 57, autosomal recessive. Identifiers: Orphanet 431329, MedGen C3714897, MONDO:0014295, OMIM 615658.

Submission:

Labcorp Genetics (formerly Invitae), Labcorp
Classification: Uncertain significance for Hereditary motor and sensory neuropathy, Okinawa type; Hereditary spastic paraplegia 57. Last evaluated: 2025-10-02. Review status: criteria provided, single submitter. Criteria: Invitae Variant Classification Sherloc (09022015). Collection method: clinical testing. Allele origin: germline.
Comment: This variant, c.597_599del, results in the deletion of 1 amino acid(s) of the TFG protein (p.Ala200del), but otherwise preserves the integrity of the reading frame. This variant is not present in population databases (gnomAD no frequency). This variant has not been reported in the literature in individuals affected with TFG-related conditions. Experimental studies and prediction algorithms are not available or were not evaluated, and the functional significance of this variant is currently unknown. In summary, the available evidence is currently insufficient to determine the role of this variant in disease. Therefore, it has been classified as a Variant of Uncertain Significance.